The following is an entry in ClinVar:

ClinVar aggregate classification (germline): Likely pathogenic. Review status: criteria provided, multiple submitters, no conflicts (2 of 4 stars). 6 submissions from 6 submitters: Likely pathogenic (6). Last evaluated 2024-10-15.

Conditions:
Autosomal dominant Alport syndrome (ATS3A). Also called: ALPORT SYNDROME 3A, AUTOSOMAL DOMINANT; Alport syndrome dominant type; Renal failure and sensorineural hearing loss. Identifiers: Orphanet 63, Orphanet 88918, MedGen C5882663, MONDO:0007086, OMIM 104200.
Autosomal recessive Alport syndrome (ATS2). Also called: Alport syndrome type 2; ALPORT SYNDROME 2, AUTOSOMAL RECESSIVE; COL4A3-Related Nephropathy; COL4A4 Alport Syndrome and Thin Basement Membrane Nephropathy. Identifiers: Orphanet 63, Orphanet 88919, MedGen C4746745, MONDO:0008762, OMIM 203780.
Benign familial hematuria. Also called: thin basement membrane disease. Identifiers: MedGen C0241908, MONDO:0957317.
Alport syndrome. Also called: Hemorrhagic familial nephritis; Hemorrhagic hereditary nephritis; Congenital hereditary hematuria. Identifiers: Orphanet 63, MedGen C1567741, MONDO:0018965.
COL4A3-related disorder. Also called: COL4A3-Related Disorders; COL4A3-related condition.

Allele frequency attached by ClinVar (database versions not stated): TOPMed below 0.00001.

Submissions (6):

PreventionGenetics, part of Exact Sciences
Classification: Likely pathogenic for COL4A3-related condition. Last evaluated: 2024-10-15. Review status: criteria provided, single submitter. Criteria: ACMG Guidelines, 2015. Collection method: clinical testing. Allele origin: germline.
Comment: The COL4A3 c.388-2A>G variant is predicted to disrupt the AG splice acceptor site and interfere with normal splicing. To our knowledge, this variant has not been reported in the literature or in a large population database (gnomAD), indicating this variant is rare. Variants that disrupt the consensus splice acceptor site in COL4A3 are expected to be pathogenic for both autosomal dominant and recessive COL4A3-related conditions. Although this canonical splice variant could result in an in-frame deletion, this variant is located within the sequence region that encodes the conserved triple helical domain, where substitutions or in-frame deletions of the glycine are usually pathogenic (UniProt residues 43-1438, Hudson et al. 1993. PubMed ID: 8253711; see for example, p.Gly139Arg in Plevova et al. 2023. PubMed ID: 36844206; p.Lys577_Leu579del in Hou et al. 2008. PubMed ID: 18649777). This variant is interpreted as likely pathogenic for both autosomal dominant and recessive COL4A3-related kidney diseases.

Natera, Inc.
Classification: Likely pathogenic for Alport syndrome. Last evaluated: 2024-07-11. Review status: criteria provided, single submitter. Criteria: Natera Variant Classification Schema (03/2026). Collection method: clinical testing. Allele origin: germline.
Comment: The c.388-2A>G variant in COL4A3 is a canonical splice acceptor site variant predicted to affect pre-mRNA splicing, which may result in an abnormal transcript and altered protein product. This variant is expected to result in nonsense mediated decay, truncation, or a dysfunctional protein product. This variant is rare in the general population with a frequency below the threshold expected for the associated phenotype(s). Given the available evidence, this variant is classified as Likely Pathogenic.

Labcorp Genetics (formerly Invitae), Labcorp
Classification: Likely pathogenic. Last evaluated: 2022-11-23. Review status: criteria provided, single submitter. Criteria: Invitae Variant Classification Sherloc (09022015). Collection method: clinical testing. Allele origin: germline.
Comment: ClinVar contains an entry for this variant (Variation ID: 932212). Disruption of this splice site has been observed in individual(s) with COL4A3-related conditions (Invitae). This variant is not present in population databases (gnomAD no frequency). This sequence change affects an acceptor splice site in intron 6 of the COL4A3 gene. It is expected to disrupt RNA splicing. Variants that disrupt the donor or acceptor splice site typically lead to a loss of protein function (PMID: 16199547), and loss-of-function variants in COL4A3 are known to be pathogenic (PMID: 8956999, 24854265, 26809805, 27281700). Algorithms developed to predict the effect of sequence changes on RNA splicing suggest that this variant may disrupt the consensus splice site. In summary, the currently available evidence indicates that the variant is pathogenic, but additional data are needed to prove that conclusively. Therefore, this variant has been classified as Likely Pathogenic.

Fulgent Genetics
Classification: Likely pathogenic for Autosomal dominant Alport syndrome; Hematuria, benign familial, 1; Autosomal recessive Alport syndrome. Last evaluated: 2021-08-10. Review status: criteria provided, single submitter. Criteria: ACMG Guidelines, 2015. Collection method: clinical testing. Allele origin: unknown.

Women's Health and Genetics/Laboratory Corporation of America, LabCorp
Classification: Likely pathogenic for Alport syndrome autosomal recessive. Last evaluated: 2020-05-18. Review status: criteria provided, single submitter. Criteria: LabCorp Variant Classification Summary - May 2015. Collection method: clinical testing. Allele origin: germline.
Comment: Variant summary: COL4A3 c.388-2A>G is located in a canonical splice-site and is predicted to affect mRNA splicing resulting in a significantly altered protein due to either exon skipping, shortening, or inclusion of intronic material. Several computational tools predict a significant impact on normal splicing: One predict the variant abolishes a 5 splicing donor site. Four predict the variant abolishes a 3 acceptor site. However, these predictions have yet to be confirmed by functional studies. The variant was absent in 249168 control chromosomes (gnomAD). To our knowledge, no occurrence of c.388-2A>G in individuals affected with Alport Syndrome, Autosomal Recessive and no experimental evidence demonstrating its impact on protein function have been reported. No clinical diagnostic laboratories have submitted clinical-significance assessments for this variant to ClinVar after 2014. Based on the evidence outlined above, the variant was classified as likely pathogenic.

Blueprint Genetics
Classification: Likely pathogenic for COL4A3-related disorders. Last evaluated: 2019-06-18. Review status: criteria provided, single submitter. Criteria: ACMG Guidelines, 2015. Collection method: clinical testing. Allele origin: germline. Affected: yes. Observed: 1 variant allele.

Literature cited by the submitters: PubMed 16199547 (cited by Labcorp Genetics (formerly Invitae), Labcorp); PubMed 8956999 (cited by Labcorp Genetics (formerly Invitae), Labcorp); PubMed 24854265 (cited by Labcorp Genetics (formerly Invitae), Labcorp); PubMed 26809805 (cited by Labcorp Genetics (formerly Invitae), Labcorp); PubMed 27281700 (cited by Labcorp Genetics (formerly Invitae), Labcorp).

NM_000091.5(COL4A3):c.388-2A>G

Genes: COL4A3 (collagen type IV alpha 3 chain; plus strand), MFF-DT (MFF divergent transcript; minus strand). Cytogenetic location: 2q36.3.
Variant type: single nucleotide variant.
Coding change: c.388-2A>G on transcript NM_000091.5 (MANE Select); the canonical splice acceptor site of the intron before coding-DNA position 388, A replaced by G.
Molecular consequence: splice acceptor variant.
Genome position (GRCh38, 1-based): chr2:227,246,683, A>G. VCF-style: chr2-227246683-A-G. GRCh37 (hg19) VCF-style: chr2-228111399-A-G.
Identifiers: ClinVar variation 932212 (VCV000932212.17), dbSNP rs2069361375, ClinGen allele CA350861746.
Genomic context (GRCh38, chr2:227,246,683, plus strand): 5'-AATATCTGAATAGGCTCTTCTAGAACAACTAAGAATAATAAGAAACTTTGTATGTCTTTT[A>G]GGGTGAGCAGGGGTTTCCAGGACTCCCAGGGACACTGGGCTACCCAGGGATCCCGGTAGG-3'